The following is an entry in ClinVar:

NM_014208.3(DSPP):c.2002AGT[1] (p.Ser669del)

Genes: DMP1-AS1 (DMP1 and DSPP antisense RNA 1; minus strand), DSPP (dentin sialophosphoprotein; plus strand). Cytogenetic location: 4q22.1.
Variant type: Microsatellite.
Coding change: c.2002AGT[1] on transcript NM_014208.3 (MANE Select); one copy of the 3-base unit AGT starting at c.2002; the reference has two copies in a row; one copy, 3 bases deleted.
Protein change: p.Ser669del; deletes serine 669.
Molecular consequence: inframe deletion.
Genome position (GRCh38, 1-based): chr4:87,614,667-87,614,669, AGT deleted; deleting any 3 consecutive bases within chr4:87,614,663-87,614,669 gives the same sequence; the position shown is the placement nearest the transcript's 3' end. VCF-style (leftmost placement, unchanged base first): chr4-87614662-ATAG-A. GRCh37 (hg19) VCF-style: chr4-88535814-ATAG-A.
Other names: c.2005_2007delAGT (NM_014208.3); short protein forms S669del.
Identifiers: ClinVar variation 504130 (VCV000504130.27), dbSNP rs745344342, ClinGen allele CA3001179.
Genomic context (GRCh38, chr4:87,614,662, plus strand): 5'-GCAGTGACAGTAGTGACAACAGTGATAGCAGCGACAGCAGCAATAGCAGTAACAGCAGTG[ATAG>A]TAGTGACAGCAGTGATAGCAGTGACAGCAGCAGTAGCAGTGACAGCAGCAACAGCAGTGA-3'

ClinVar aggregate classification (germline): Conflicting classifications of pathogenicity. Review status: criteria provided, conflicting classifications (1 of 4 stars). 3 submissions from 3 submitters: Uncertain significance (2); Likely benign (1). Last evaluated 2024-06-01.

Submissions (3):

CeGaT Center for Human Genetics Tuebingen
Classification: Likely benign. Last evaluated: 2024-06-01. Review status: criteria provided, single submitter. Criteria: CeGaT Center For Human Genetics Tuebingen Variant Classification Criteria Version 2. Collection method: clinical testing. Allele origin: germline. Affected: yes. Observed: 2 variant alleles.
Comment: DSPP: BP3

GeneDx
Classification: Uncertain significance. Last evaluated: 2018-02-13. Review status: criteria provided, single submitter. Criteria: GeneDx Variant Classification (06012015). Collection method: clinical testing. Allele origin: germline. Affected: yes.
Comment: The c.2005_2007delAGT variant in the DSPP gene has not been reported previously as a pathogenic variant, nor as a benign variant, to our knowledge. The c.2005_2007delAGT variant results in an in-frame deletion and is predicted to cause loss of a Serine residue at codon 669, denoted p.Ser669del. The c.2005_2007delAGT variant is observed in 15/176612 (0.01%) alleles in large population cohorts (Lek et al., 2016). We interpret c.2005_2007delAGT as a variant of uncertain significance.

Breakthrough Genomics
Classification: Uncertain significance. Review status: criteria provided, single submitter. Criteria: ACMG Guidelines, 2015. Collection method: not provided. Allele origin: germline. Inheritance: Autosomal dominant inheritance. Affected: yes.